The following is an entry in ClinVar:

NM_020832.3(ZNF687):c.3077+6T>A

Gene: ZNF687 (zinc finger protein 687; plus strand). Cytogenetic location: 1q21.3.
Variant type: single nucleotide variant.
Coding change: c.3077+6T>A on transcript NM_020832.3 (MANE Select); 6 bases into the intron after coding-DNA position 3077, T replaced by A.
Molecular consequence: intron variant.
Genome position (GRCh38, 1-based): chr1:151,290,240, T>A. VCF-style: chr1-151290240-T-A. GRCh37 (hg19) VCF-style: chr1-151262716-T-A.
Other names: c.3077+6T>A (NM_001304764.2, NM_001304763.2).
Identifiers: ClinVar variation 1925602 (VCV001925602.5), dbSNP rs185176172, ClinGen allele CA1088738.

ClinVar aggregate classification (germline): Uncertain significance (1 of 4 stars; one submission).

Allele frequency attached by ClinVar (database versions not stated): TOPMed 0.00001; ExAC 0.00005; gnomAD 0.00005; gnomAD exomes 0.00007; 1000 Genomes Project 30x 0.00031; 1000 Genomes Project 0.00040.

Submission:

Labcorp Genetics (formerly Invitae), Labcorp
Classification: Uncertain significance. Last evaluated: 2024-02-23. Review status: criteria provided, single submitter. Criteria: Invitae Variant Classification Sherloc (09022015). Collection method: clinical testing. Allele origin: germline.
Comment: This sequence change falls in intron 7 of the ZNF687 gene. It does not directly change the encoded amino acid sequence of the ZNF687 protein. It affects a nucleotide within the consensus splice site. This variant is present in population databases (rs185176172, gnomAD 0.04%). This variant has not been reported in the literature in individuals affected with ZNF687-related conditions. ClinVar contains an entry for this variant (Variation ID: 1925602). Variants that disrupt the consensus splice site are a relatively common cause of aberrant splicing (PMID: 17576681, 9536098). Algorithms developed to predict the effect of sequence changes on RNA splicing suggest that this variant is not likely to affect RNA splicing. In summary, the available evidence is currently insufficient to determine the role of this variant in disease. Therefore, it has been classified as a Variant of Uncertain Significance.

Literature cited by the submitters: PubMed 17576681; PubMed 9536098.